The following is an entry in ClinVar:

NM_138694.4(PKHD1):c.12054G>A (p.Leu4018=)

Gene: PKHD1 (PKHD1 ciliary IPT domain containing fibrocystin/polyductin; minus strand). Cytogenetic location: 6p12.3.
Variant type: single nucleotide variant.
Coding change: c.12054G>A on transcript NM_138694.4 (MANE Select); coding-DNA position 12054, G replaced by A.
Protein change: p.Leu4018=; no amino-acid change (leucine 4018 retained).
Molecular consequence: synonymous variant.
Genome position (GRCh38, 1-based): chr6:51,619,252, C>T on the plus strand (G>A on the coding strand, the complement: PKHD1 is on the minus strand). VCF-style: chr6-51619252-C-T. GRCh37 (hg19) VCF-style: chr6-51484050-C-T.
Identifiers: ClinVar variation 3054880 (VCV003054880.2), dbSNP rs940875911, ClinGen allele CA138872190.
Genomic context (GRCh38, chr6:51,619,252, plus strand): 5'-ACTCAGCCGACTTTGCCCTGGCAACTGCTGCCTCTCTTGTCTGAAGTCTGGGCATAGCAG[C>T]AGCAGCTGATTTTGGCCTGCCAGCTGGTATCTGAGCAACTGCTCTTGGCCCTCCTTCCAG-3'
Protein context (NP_619639.3, residues 4008-4028): RYQLAGQNQL[Leu4018=]LLCPDFRQER

ClinVar aggregate classification (germline): Likely benign (0 of 4 stars; one submission).

Conditions:
PKHD1-related disorder. Also called: PKHD1-related condition.

Allele frequency attached by ClinVar (database versions not stated): TOPMed below 0.00001.

Submission:

PreventionGenetics, part of Exact Sciences
Classification: Likely benign for PKHD1-related condition. Last evaluated: 2023-03-10. Review status: no assertion criteria provided. Collection method: clinical testing. Allele origin: germline.
Comment: This variant is classified as likely benign based on ACMG/AMP sequence variant interpretation guidelines (Richards et al. 2015 PMID: 25741868, with internal and published modifications).